The following is an entry in ClinVar:

ClinVar aggregate classification (germline): Likely benign (1 of 4 stars; one submission).

gnomAD v4.1: 554 of 1,614,116 alleles (0.034%); highest among the groups gnomAD compares: East Asian, 0.37%; 4 homozygotes.

Submission:

CeGaT Center for Human Genetics Tuebingen
Classification: Likely benign. Last evaluated: 2024-07-01. Review status: criteria provided, single submitter. Criteria: CeGaT Center For Human Genetics Tuebingen Variant Classification Criteria Version 2. Collection method: clinical testing. Allele origin: germline. Affected: yes. Observed: 1 variant allele.
Comment: TTF1: BP4

NM_007344.4(TTF1):c.1252C>A (p.Leu418Ile)

Gene: TTF1 (transcription termination factor 1; minus strand). Cytogenetic location: 9q34.13.
Variant type: single nucleotide variant.
Coding change: c.1252C>A on transcript NM_007344.4 (MANE Select); coding-DNA position 1252, C replaced by A.
Protein change: p.Leu418Ile; replaces leucine 418 with isoleucine.
Molecular consequence: missense variant. On other transcripts: non-coding transcript variant (1), intron variant (1).
Genome position (GRCh38, 1-based): chr9:132,401,570, G>T on the plus strand (C>A on the coding strand, the complement: TTF1 is on the minus strand). VCF-style: chr9-132401570-G-T. GRCh37 (hg19) VCF-style: chr9-135276957-G-T.
Other names: c.-178-1312C>A (NM_001205296.2); short protein forms L418I.
Identifiers: ClinVar variation 3257020 (VCV003257020.17).